The following is an entry in ClinVar:

ClinVar aggregate classification (germline): Conflicting classifications of pathogenicity. Review status: criteria provided, conflicting classifications (1 of 4 stars). 2 submissions from 2 submitters: Likely pathogenic (1); Uncertain significance (1). Last evaluated 2022-09-12.

Conditions:
Early-infantile DEE. Also called: Early infantile epileptic encephalopathy with suppression bursts; Early infantile epileptic encephalopathy; Ohtahara syndrome. Identifiers: Orphanet 1934, MedGen C0393706, MONDO:0800491.

Submissions (2):

Labcorp Genetics (formerly Invitae), Labcorp
Classification: Uncertain significance for Early-infantile DEE. Last evaluated: 2022-09-12. Review status: criteria provided, single submitter. Criteria: Invitae Variant Classification Sherloc (09022015). Collection method: clinical testing. Allele origin: germline.
Comment: This sequence change replaces lysine, which is basic and polar, with glutamine, which is neutral and polar, at codon 1471 of the SCN8A protein (p.Lys1471Gln). This variant is not present in population databases (gnomAD no frequency). This variant has not been reported in the literature in individuals affected with SCN8A-related conditions. ClinVar contains an entry for this variant (Variation ID: 383869). Advanced modeling of protein sequence and biophysical properties (such as structural, functional, and spatial information, amino acid conservation, physicochemical variation, residue mobility, and thermodynamic stability) performed at Invitae indicates that this missense variant is expected to disrupt SCN8A protein function. In summary, the available evidence is currently insufficient to determine the role of this variant in disease. Therefore, it has been classified as a Variant of Uncertain Significance.

GeneDx
Classification: Likely pathogenic. Last evaluated: 2016-12-21. Review status: criteria provided, single submitter. Criteria: GeneDx Variant Classification (06012015). Collection method: clinical testing. Allele origin: germline. Affected: yes.
Comment: A novel K1471Q variant that is likely pathogenic has been identified in the SCN8A gene. The K1471Q variant has not been published as a pathogenic variant, nor has it been reported as a benign variant to our knowledge. It was not observed in approximately 6,200 individuals of European and African American ancestry in the NHLBI Exome Sequencing Project, indicating it is not a common benign variant in these populations. The K1471Q variant is a semi-conservative amino acid substitution, which may impact secondary protein structure as these residues differ in some properties. This substitution alters a conserved position predicted to be within the cytoplasmic loop between the third and fourth homologous domains of the SCN8A protein. Missense variants in a nearby residue (N1466T, N1466K) have been reported in the Human Gene Mutation Database in association with infantile epileptic encephalopathy (Stenson et al., 2014). Additionally, in silico analysis predicts this variant is probably damaging to the protein structure/function. Therefore, this variant is likely pathogenic; however, the possibility that it is benign cannot be excluded.

NM_001330260.2(SCN8A):c.4411A>C (p.Lys1471Gln)

Gene: SCN8A (sodium voltage-gated channel alpha subunit 8; plus strand). Cytogenetic location: 12q13.13.
Variant type: single nucleotide variant.
Coding change: c.4411A>C on transcript NM_001330260.2 (MANE Select); coding-DNA position 4411, A replaced by C.
Protein change: p.Lys1471Gln; replaces lysine 1471 with glutamine.
Molecular consequence: missense variant.
Genome position (GRCh38, 1-based): chr12:51,789,410, A>C. VCF-style: chr12-51789410-A-C. GRCh37 (hg19) VCF-style: chr12-52183194-A-C.
Other names: c.4288A>C, p.Lys1430Gln (NM_001177984.3, NM_001369788.1); c.4411A>C, p.Lys1471Gln (NM_014191.4); short protein forms K1471Q, K1430Q.
Identifiers: ClinVar variation 383869 (VCV000383869.7), dbSNP rs1057521767, ClinGen allele CA16606653.